The following is an entry in ClinVar:

ClinVar aggregate classification (germline): Uncertain significance (1 of 4 stars; one submission).

Conditions:
Hereditary cancer-predisposing syndrome. Also called: Tumor predisposition; Neoplastic Syndromes, Hereditary; Hereditary Cancer Syndrome; Hereditary neoplastic syndrome. Identifiers: Orphanet 140162, MedGen C0027672, MeSH D009386, MONDO:0015356.

gnomAD v4.1: 2 of 1,613,444 alleles (0.00012%); highest among the groups gnomAD compares: Non-Finnish European, 0.00017%; no homozygotes.

Submission:

Ambry Genetics
Classification: Uncertain significance for Hereditary cancer-predisposing syndrome. Last evaluated: 2024-09-19. Review status: criteria provided, single submitter. Criteria: Ambry Variant Classification Scheme 2023. Collection method: clinical testing. Allele origin: germline.
Comment: The p.V793L variant (also known as c.2377G>C), located in coding exon 10 of the BLM gene, results from a G to C substitution at nucleotide position 2377. The valine at codon 793 is replaced by leucine, an amino acid with highly similar properties. This amino acid position is conserved. In addition, the in silico prediction for this alteration is inconclusive. Based on the available evidence, the clinical significance of this variant remains unclear.

NM_000057.4(BLM):c.2377G>C (p.Val793Leu)

Gene: BLM (BLM RecQ like helicase; plus strand). Cytogenetic location: 15q26.1.
Variant type: single nucleotide variant.
Coding change: c.2377G>C on transcript NM_000057.4 (MANE Select); coding-DNA position 2377, G replaced by C.
Protein change: p.Val793Leu; replaces valine 793 with leucine.
Molecular consequence: missense variant.
Genome position (GRCh38, 1-based): chr15:90,769,202, G>C. VCF-style: chr15-90769202-G-C. GRCh37 (hg19) VCF-style: chr15-91312432-G-C.
Other names: c.2377G>C, p.Val793Leu (NM_001287246.2, NM_001287247.2); c.1252G>C, p.Val418Leu (NM_001287248.2); short protein forms V418L, V793L.
Identifiers: ClinVar variation 3480857 (VCV003480857.1).
Genomic context (GRCh38, chr15:90,769,202, plus strand): 5'-AGTAACAGACTCATTTCTACTCTGGAGAATCTCTATGAGAGGAAGCTCTTGGCACGTTTT[G>C]TTATTGATGAAGCACATTGTGTCAGTCAGGTAAATACTGTTTTTTATATCCGGAAATACC-3'
Protein context (NP_000048.1, residues 783-803): LYERKLLARF[Val793Leu]IDEAHCVSQW